The following is an entry in ClinVar:

NM_000059.4(BRCA2):c.4814T>C (p.Val1605Ala)

Gene: BRCA2 (BRCA2 DNA repair associated; plus strand). Cytogenetic location: 13q13.1.
Variant type: single nucleotide variant.
Coding change: c.4814T>C on transcript NM_000059.4 (MANE Select); coding-DNA position 4814, T replaced by C.
Protein change: p.Val1605Ala; replaces valine 1605 with alanine.
Molecular consequence: missense variant.
Genome position (GRCh38, 1-based): chr13:32,339,169, T>C. VCF-style: chr13-32339169-T-C. GRCh37 (hg19) VCF-style: chr13-32913306-T-C.
Other names: short protein forms V1605A.
Identifiers: ClinVar variation 220221 (VCV000220221.9), dbSNP rs864622426, ClinGen allele CA349454.
Genomic context (GRCh38, chr13:32,339,169, plus strand): 5'-TCACAGCTGCCCCAAAGTGTAAAGAAATGCAGAATTCTCTCAATAATGATAAAAACCTTG[T>C]TTCTATTGAGACTGTGGTGCCACCTAAGCTCTTAAGTGATAATTTATGTAGACAAACTGA-3'
Protein context (NP_000050.3, residues 1595-1615): QNSLNNDKNL[Val1605Ala]SIETVVPPKL

ClinVar aggregate classification (germline): Conflicting classifications of pathogenicity. Review status: criteria provided, conflicting classifications (1 of 4 stars). 2 submissions from 2 submitters: Uncertain significance (1); Likely benign (1). Last evaluated 2023-12-31.

Conditions:
Hereditary cancer-predisposing syndrome. Also called: Hereditary neoplastic syndrome; Tumor predisposition; Hereditary Cancer Syndrome; Neoplastic Syndromes, Hereditary. Identifiers: Orphanet 140162, MedGen C0027672, MeSH D009386, MONDO:0015356.
Hereditary breast ovarian cancer syndrome. Also called: BRCA1- and BRCA2-Associated Hereditary Breast and Ovarian Cancer; Hereditary breast and ovarian cancer syndrome (HBOC); Hereditary breast and/or ovarian cancer syndrome; Hereditary breast and ovarian cancer syndrome; Hereditary breast and ovarian cancer; Breast and ovarian cancer. Identifiers: Orphanet 145, MedGen C0677776, MeSH D061325, MONDO:0003582. Disease mechanism: loss of function.

Submissions (2):

Labcorp Genetics (formerly Invitae), Labcorp
Classification: Uncertain significance for Hereditary breast ovarian cancer syndrome. Last evaluated: 2023-12-31. Review status: criteria provided, single submitter. Criteria: Invitae Variant Classification Sherloc (09022015). Collection method: clinical testing. Allele origin: germline.
Comment: This sequence change replaces valine, which is neutral and non-polar, with alanine, which is neutral and non-polar, at codon 1605 of the BRCA2 protein (p.Val1605Ala). This variant is not present in population databases (gnomAD no frequency). This missense change has been observed in individual(s) with breast cancer (PMID: 20104584). This variant is also known as 5042T>C. ClinVar contains an entry for this variant (Variation ID: 220221). Advanced modeling of protein sequence and biophysical properties (such as structural, functional, and spatial information, amino acid conservation, physicochemical variation, residue mobility, and thermodynamic stability) performed at Invitae indicates that this missense variant is not expected to disrupt BRCA2 protein function with a negative predictive value of 95%. In summary, the available evidence is currently insufficient to determine the role of this variant in disease. Therefore, it has been classified as a Variant of Uncertain Significance.

University of Washington Department of Laboratory Medicine, University of Washington
Classification: Likely benign for Hereditary cancer-predisposing syndrome. Last evaluated: 2023-03-23. Review status: criteria provided, single submitter. Criteria: Dines et al. (Genet Med. 2020). Collection method: curation. Allele origin: germline.
Comment: Missense variant in a coldspot region where missense variants are very unlikely to be pathogenic (PMID:31911673).

BRCA2 exon 11 coldspot. Reclassification based on statistical prior probability.

Literature cited by the submitters: PubMed 20104584 (cited by Labcorp Genetics (formerly Invitae), Labcorp).